The following is an entry in ClinVar:

ClinVar aggregate classification (germline): Uncertain significance (1 of 4 stars; one submission).

gnomAD v4.1: 3 of 1,613,412 alleles (0.00019%); highest among the groups gnomAD compares: Admixed American, 0.005%; no homozygotes.

Submission:

Dasa
Classification: Uncertain significance. Last evaluated: 2026-05-08. Review status: criteria provided, single submitter. Criteria: DASA Assertion Criteria. Collection method: clinical testing. Allele origin: germline.
Comment: NM_017780.4(CHD7):c.3836A>G (p.Asp1279Gly) is a missense variant that results in the substitution of aspartic acid with glycine. This variant is rare in population databases. Computational prediction algorithms are consistent with a deleterious effect. The currently available literature and clinical evidence are not sufficient to establish a definitive association between this variant and the reported condition. Therefore, this variant is classified as a variant of uncertain significance.

NM_017780.4(CHD7):c.3836A>G (p.Asp1279Gly)

Gene: CHD7 (chromodomain helicase DNA binding protein 7; plus strand). Cytogenetic location: 8q12.2.
Variant type: single nucleotide variant.
Coding change: c.3836A>G on transcript NM_017780.4 (MANE Select); coding-DNA position 3836, A replaced by G.
Protein change: p.Asp1279Gly; replaces aspartic acid 1279 with glycine.
Molecular consequence: missense variant. On other transcripts: intron variant (1).
Genome position (GRCh38, 1-based): chr8:60,836,130, A>G. VCF-style: chr8-60836130-A-G. GRCh37 (hg19) VCF-style: chr8-61748689-A-G.
Other names: c.1717-26099A>G (NM_001316690.1); short protein forms D1279G.
Identifiers: ClinVar variation 5020598 (VCV005020598.1).